The following is an entry in ClinVar:

ClinVar aggregate classification (germline): Uncertain significance. Review status: criteria provided, multiple submitters, no conflicts (2 of 4 stars). 2 submissions from 2 submitters: Uncertain significance (2). Last evaluated 2023-08-19.

Conditions:
Intellectual disability, autosomal dominant 9 (NESCAVS). Also called: KIF1A-Related Neurodevelopmental Disorder; NESCAV SYNDROME. Identifiers: Orphanet 662367, MedGen C5393830, MONDO:0013656, OMIM 614255.

Allele frequency attached by ClinVar (database versions not stated): gnomAD exomes 0.00002; TOPMed 0.00005; ExAC 0.00006; gnomAD 0.00007.
gnomAD v4.1: 40 of 1,550,614 alleles (0.0026%); highest among the groups gnomAD compares: East Asian, 0.046%; no homozygotes.

Submissions (2):

Clinical Genomics Laboratory, Washington University in St. Louis
Classification: Uncertain significance for Intellectual disability, autosomal dominant 9. Last evaluated: 2023-08-19. Review status: criteria provided, single submitter. Criteria: ACMG Guidelines, 2015. Collection method: clinical testing. Allele origin: germline.
Comment: The KIF1A c.2830C>T (p.Arg944Trp) variant, to our knowledge, has not been reported in the medical literature but has been reported in the ClinVar database as a germline variant of uncertain significance by one submitter. This variant is only observed on 7/180,842 alleles in the general population (gnomAD v.2.1.1), indicating it is not a common variant. This codon occurs in a region without known function but with frequent gnomAD missense variants (MutScore). Computational predictors indicate that the variant is damaging, evidence that correlates with impact to KIF1A function. Another variant in the same codon, p.Arg944Gln, has been reported in the literature in an individual without specific phenotype information (Stranneheim H et al., PMID: 33726816). Due to limited information, and based on ACMG/AMP guidelines for variant interpretation (Richards S et al., PMID: 25741868), the clinical significance of this variant is uncertain at this time.

GeneDx
Classification: Uncertain significance. Last evaluated: 2023-01-18. Review status: criteria provided, single submitter. Criteria: GeneDx Variant Classification Process June 2021. Collection method: clinical testing. Allele origin: germline. Affected: yes.
Comment: Reported using an alternate transcript of the gene; In silico analysis supports a deleterious effect on splicing; Has not been previously published as pathogenic or benign to our knowledge; A different missense change at this residue (p.R944Q) has been reported in the published literature (Stranneheim et al., 2021)

NM_001244008.2(KIF1A):c.2830C>T (p.Arg944Trp)

Gene: KIF1A (kinesin family member 1A; minus strand). Cytogenetic location: 2q37.3.
Variant type: single nucleotide variant.
Coding change: c.2830C>T on transcript NM_001244008.2 (MANE Select); coding-DNA position 2830, C replaced by T.
Protein change: p.Arg944Trp; replaces arginine 944 with tryptophan.
Molecular consequence: missense variant. On other transcripts: intron variant (18).
Genome position (GRCh38, 1-based): chr2:240,757,347, G>A on the plus strand (C>T on the coding strand, the complement: KIF1A is on the minus strand). VCF-style: chr2-240757347-G-A. GRCh37 (hg19) VCF-style: chr2-241696764-G-A.
Other names: c.2905C>T, p.Arg969Trp (NM_001379631.1); c.2779C>T, p.Arg927Trp (NM_001379632.1); c.2803C>T, p.Arg935Trp (NM_001379633.1, NM_001379642.1, NM_001379645.1); c.2555+1013C>T (NM_001379653.1, NM_001379650.1, NM_001379640.1 and 6 more transcripts); c.2657+1013C>T (NM_001379635.1, NM_001330290.2, NM_001379646.1 and 1 more transcripts); c.2630+1013C>T (NM_001379637.1, NM_001379648.1); c.2582+1013C>T (NM_001320705.2, NM_001379638.1, NM_001330289.2); short protein forms R927W, R935W, R944W, R969W.
Identifiers: ClinVar variation 2500624 (VCV002500624.2), dbSNP rs372644722, ClinGen allele CA2208012.